The following is an entry in ClinVar:

NM_004629.2(FANCG):c.1474G>T (p.Glu492Ter)

Gene: FANCG (FA complementation group G; minus strand). Cytogenetic location: 9p13.3.
Variant type: single nucleotide variant.
Coding change: c.1474G>T on transcript NM_004629.2 (MANE Select); coding-DNA position 1474, G replaced by T.
Protein change: p.Glu492Ter; replaces glutamic acid 492 with a stop codon.
Molecular consequence: nonsense.
Genome position (GRCh38, 1-based): chr9:35,075,285, C>A on the plus strand (G>T on the coding strand, the complement: FANCG is on the minus strand). VCF-style: chr9-35075285-C-A. GRCh37 (hg19) VCF-style: chr9-35075282-C-A.
Other names: short protein forms E492*.
Identifiers: ClinVar variation 2080001 (VCV002080001.5), dbSNP rs1018027137, ClinGen allele CA192692677.

ClinVar aggregate classification (germline): Pathogenic. Review status: criteria provided, multiple submitters, no conflicts (2 of 4 stars). 2 submissions from 2 submitters: Pathogenic (2). Last evaluated 2023-07-19.

Conditions:
Fanconi anemia (FA). Also called: Fanconi's anemia. Identifiers: Orphanet 84, MedGen C0015625, MeSH D005199, MONDO:0019391.
Fanconi anemia complementation group G. Also called: Fanconi anemia group G; FANCG-Related Fanconi Anemia. Identifiers: Orphanet 84, MedGen C3469527, MONDO:0013565, OMIM 614082.

Allele frequency attached by ClinVar (database versions not stated): TOPMed 0.00001.

Submissions (2):

Baylor Genetics
Classification: Pathogenic for Fanconi anemia complementation group G. Last evaluated: 2023-07-19. Review status: criteria provided, single submitter. Criteria: ACMG Guidelines, 2015. Collection method: clinical testing. Allele origin: unknown.

Labcorp Genetics (formerly Invitae), Labcorp
Classification: Pathogenic for Fanconi anemia. Last evaluated: 2022-09-23. Review status: criteria provided, single submitter. Criteria: Invitae Variant Classification Sherloc (09022015). Collection method: clinical testing. Allele origin: germline.
Comment: For these reasons, this variant has been classified as Pathogenic. This premature translational stop signal has been observed in individual(s) with Fanconi anemia (PMID: 34422195). This variant is not present in population databases (gnomAD no frequency). This sequence change creates a premature translational stop signal (p.Glu492*) in the FANCG gene. It is expected to result in an absent or disrupted protein product. Loss-of-function variants in FANCG are known to be pathogenic (PMID: 12552564).

Literature cited by the submitters: PubMed 34422195 (cited by Labcorp Genetics (formerly Invitae), Labcorp); PubMed 12552564 (cited by Labcorp Genetics (formerly Invitae), Labcorp).